The following is an entry in ClinVar:

ClinVar aggregate classification (germline): Pathogenic (1 of 4 stars; one submission).

Conditions:
Duchenne muscular dystrophy (DMD). Also called: MUSCULAR DYSTROPHY, PSEUDOHYPERTROPHIC PROGRESSIVE, DUCHENNE TYPE; Duchenne Muscular Dystrophy (DMD). Identifiers: Orphanet 98896, MedGen C0013264, MONDO:0010679, OMIM 310200.

Submission:

Labcorp Genetics (formerly Invitae), Labcorp
Classification: Pathogenic for Duchenne muscular dystrophy. Last evaluated: 2023-07-07. Review status: criteria provided, single submitter. Criteria: Invitae Variant Classification Sherloc (09022015). Collection method: clinical testing. Allele origin: unknown.
Comment: The region of the DMD gene that includes exon(s) 40 has been determined to be clinically significant (PMID: 21520333, 28116794). Therefore, deletions that encompass that region are likely to be disease-causing. This variant has not been reported in the literature in individuals affected with DMD-related conditions. This variant is a gross deletion of the genomic region encompassing exon(s) 38-41 of the DMD gene. This variant would be expected to be in-frame, preserving the integrity of the reading frame. For these reasons, this variant has been classified as Pathogenic.

Literature cited by the submitters: PubMed 21520333; PubMed 28116794.

NC_000023.10:g.(?_32360197)_(32366665_?)del

Gene: DMD (dystrophin; minus strand). Cytogenetic location: Xp21.1.
Variant type: Deletion.
Identifiers: ClinVar variation 3248119 (VCV003248119.1).